The following is an entry in ClinVar:

ClinVar aggregate classification (germline): Likely pathogenic. Review status: criteria provided, multiple submitters, no conflicts (2 of 4 stars). 2 submissions from 2 submitters: Likely pathogenic (2). Last evaluated 2020-12-09.

Conditions:
Primary dilated cardiomyopathy (DCM). Also called: Dilated Cardiomyopathy. Identifiers: Orphanet 217604, MedGen C0007193, MeSH D002311, MONDO:0005021, HP:0001644. Inheritance: Various modes of inheritance.
Cardiomyopathy (CMYO). Also called: Cardiomyopathies. Identifiers: Orphanet 167848, MedGen C0878544, MONDO:0004994, HP:0001638. Inheritance: Various modes of inheritance.

Submissions (2):

Laboratory for Molecular Medicine, Mass General Brigham Personalized Medicine
Classification: Likely pathogenic for Primary dilated cardiomyopathy. Last evaluated: 2020-12-09. Review status: criteria provided, single submitter. Criteria: LMM Criteria. Collection method: clinical testing. Allele origin: germline. Inheritance: Autosomal dominant inheritance. Observed: 1 variant allele.
Comment: The p.Glu25936X variant in TTN has not been previously reported in individuals with TTN-related disorders, such as dilated cardiomyopathy and neuromuscular conditions and was absent from large population studies. This nonsense variant leads to a premature termination codon at position 25936, which is predicted to lead to a truncated or absent protein. Nonsense and other truncating variants in TTN are strongly associated with DCM, particularly if they are located in the exons encoding for the A-band (Herman 2012, Pugh 2014) and/or are located in an exon that is highly expressed in the heart (Roberts 2015). The p.Glu25936X variant is located in the A-band in the highly expressed exon 275. In summary, although additional studies are required to fully establish its clinical significance, the p.Glu25936X variant is likely pathogenic for autosomal dominant dilated cardiomyopathy. ACMG/AMP criteria applied: PVS1, PM2.

CHEO Genetics Diagnostic Laboratory, Children's Hospital of Eastern Ontario
Classification: Likely pathogenic for Cardiomyopathy. Last evaluated: 2019-11-19. Review status: criteria provided, single submitter. Criteria: ACMG Guidelines, 2015. Collection method: clinical testing. Allele origin: germline. Study: Canadian Open Genetics Repository.

NM_001267550.2(TTN):c.85510G>T (p.Glu28504Ter)

Genes: TTN (titin; minus strand), TTN-AS1 (TTN antisense RNA 1; plus strand). Cytogenetic location: 2q31.2.
Variant type: single nucleotide variant.
Coding change: c.85510G>T on transcript NM_001267550.2 (MANE Select); coding-DNA position 85510, G replaced by T.
Protein change: p.Glu28504Ter; replaces glutamic acid 28504 with a stop codon.
Molecular consequence: nonsense.
Genome position (GRCh38, 1-based): chr2:178,560,622, C>A on the plus strand (G>T on the coding strand, the complement: TTN is on the minus strand). VCF-style: chr2-178560622-C-A. GRCh37 (hg19) VCF-style: chr2-179425349-C-A.
Other names: c.80587G>T, p.Glu26863Ter (NM_001256850.1); c.77806G>T, p.Glu25936Ter (NM_133378.4); c.58315G>T, p.Glu19439Ter (NM_003319.4); c.58690G>T, p.Glu19564Ter (NM_133432.3); c.58891G>T, p.Glu19631Ter (NM_133437.4); short protein forms E25936*, E28504*, E26863*, E19439*, E19564*, E19631*.
Identifiers: ClinVar variation 228306 (VCV000228306.9), dbSNP rs876657670, ClinGen allele CA10576469.